The following is an entry in ClinVar:

ClinVar aggregate classification (germline): Uncertain significance (1 of 4 stars; one submission).

Conditions:
Leigh syndrome (NULS). Also called: Leigh's necrotizing encephalopathy; Leigh's disease; Leigh Syndrome (mtDNA deletion); Leigh Disease; Subacute necrotizing encephalopathy; Necrotizing encephalopathy infantile subacute of Leigh. Identifiers: Orphanet 506, MedGen C2931891, MONDO:0009723, OMIM 256000.

Submission:

Wong Mito Lab, Molecular and Human Genetics, Baylor College of Medicine
Classification: Uncertain significance for Leigh syndrome. Last evaluated: 2019-10-17. Review status: criteria provided, single submitter. Criteria: Modified ACMG Guidelines (Unpublished). Collection method: clinical testing. Allele origin: germline.
Comment: The NC_012920.1:m.9085C>A (YP_003024031.1:p.Pro187Thr) variant in MTATP6 gene is interpretated to be a Uncertain Significance variant based on the modified ACMG guidelines (unpublished). This variant meets the following evidence codes: PP7, BP4

NC_012920.1(MT-ATP6):m.9085C>A

Gene: MT-ATP6 (mitochondrially encoded ATP synthase 6; plus strand).
Variant type: single nucleotide variant.
Genome position: chrM-9085-C-A.
Identifiers: ClinVar variation 693082 (VCV000693082.1), dbSNP rs1603222048, ClinGen allele CA414802164.